The following is an entry in ClinVar:

NM_001029883.3(PCARE):c.1823C>A (p.Thr608Asn)

Gene: PCARE (photoreceptor cilium actin regulator; minus strand). Cytogenetic location: 2p23.2.
Variant type: single nucleotide variant.
Coding change: c.1823C>A on transcript NM_001029883.3 (MANE Select); coding-DNA position 1823, C replaced by A.
Protein change: p.Thr608Asn; replaces threonine 608 with asparagine.
Molecular consequence: missense variant.
Genome position (GRCh38, 1-based): chr2:29,072,439, G>T on the plus strand (C>A on the coding strand, the complement: PCARE is on the minus strand). VCF-style: chr2-29072439-G-T. GRCh37 (hg19) VCF-style: chr2-29295305-G-T.
Other names: short protein forms T608N.
Identifiers: ClinVar variation 938557 (VCV000938557.6), dbSNP rs761008813, ClinGen allele CA1592347.

ClinVar aggregate classification (germline): Uncertain significance (1 of 4 stars; one submission).

Allele frequency attached by ClinVar (database versions not stated): gnomAD 0.00002; ExAC 0.00006; TOPMed 0.00002; gnomAD exomes 0.00006.
gnomAD v4.1: 44 of 1,614,070 alleles (0.0027%); highest among the groups gnomAD compares: Admixed American, 0.023%; no homozygotes.

Submission:

Labcorp Genetics (formerly Invitae), Labcorp
Classification: Uncertain significance. Last evaluated: 2025-01-15. Review status: criteria provided, single submitter. Criteria: Invitae Variant Classification Sherloc (09022015). Collection method: clinical testing. Allele origin: germline.
Comment: This sequence change replaces threonine, which is neutral and polar, with asparagine, which is neutral and polar, at codon 608 of the PCARE protein (p.Thr608Asn). This variant is present in population databases (rs761008813, gnomAD 0.04%). This variant has not been reported in the literature in individuals affected with PCARE-related conditions. ClinVar contains an entry for this variant (Variation ID: 938557). An algorithm developed to predict the effect of missense changes on protein structure and function (PolyPhen-2) suggests that this variant is likely to be disruptive. In summary, the available evidence is currently insufficient to determine the role of this variant in disease. Therefore, it has been classified as a Variant of Uncertain Significance.